The following is an entry in ClinVar:

NM_002439.5(MSH3):c.392del (p.Val130_Ser131insTer)

Gene: MSH3 (mutS homolog 3; plus strand). Cytogenetic location: 5q14.1.
Variant type: Deletion.
Coding change: c.392del on transcript NM_002439.5 (MANE Select); coding-DNA position 392, one base deleted (C; older notation c.392delC).
Protein change: p.Val130_Ser131insTer.
Molecular consequence: nonsense.
Genome position (GRCh38, 1-based): chr5:80,665,176, C deleted. VCF-style (leftmost placement, unchanged base first): chr5-80665175-TC-T. GRCh37 (hg19) VCF-style: chr5-79960994-TC-T.
Other names: c.392delC (NM_002439.3).
Identifiers: ClinVar variation 1386968 (VCV001386968.8), dbSNP rs1743016889, ClinGen allele CA1558452864.

ClinVar aggregate classification (germline): Pathogenic/Likely pathogenic. Review status: criteria provided, multiple submitters, no conflicts (2 of 4 stars). 4 submissions from 4 submitters: Pathogenic (3); Likely pathogenic (1). Last evaluated 2025-04-14.

Conditions:
Familial adenomatous polyposis 4 (FAP4). Also called: MSH3-related attenuated familial adenomatous polyposis. Identifiers: Orphanet 480536, MedGen C4310719, MONDO:0044300, OMIM 617100.
Hereditary cancer-predisposing syndrome. Also called: Neoplastic Syndromes, Hereditary; Tumor predisposition; Hereditary neoplastic syndrome; Hereditary Cancer Syndrome. Identifiers: Orphanet 140162, MedGen C0027672, MeSH D009386, MONDO:0015356.
Endometrial carcinoma. Also called: Endometrial carcinoma, somatic. Identifiers: MedGen C0476089, MONDO:0002447, OMIM 608089, HP:0012114.

Allele frequency attached by ClinVar (database versions not stated): gnomAD exomes below 0.00001; TOPMed below 0.00001.

Submissions (4):

Ambry Genetics
Classification: Pathogenic for Hereditary cancer-predisposing syndrome. Last evaluated: 2025-04-14. Review status: criteria provided, single submitter. Criteria: Ambry Variant Classification Scheme 2023. Collection method: clinical testing. Allele origin: germline.
Comment: The c.392delC pathogenic mutation, located in coding exon 3 of the MSH3 gene, results from a deletion of one nucleotide at nucleotide position 392, causing a translational frameshift with a predicted alternate stop codon (p.S131*). This variant is considered to be rare based on population cohorts in the Genome Aggregation Database (gnomAD). This alteration is expected to result in loss of function by premature protein truncation or nonsense-mediated mRNA decay. As such, this alteration is interpreted as a disease-causing mutation.

Labcorp Genetics (formerly Invitae), Labcorp
Classification: Pathogenic. Last evaluated: 2024-12-06. Review status: criteria provided, single submitter. Criteria: Invitae Variant Classification Sherloc (09022015). Collection method: clinical testing. Allele origin: germline.
Comment: This sequence change creates a premature translational stop signal (p.Ser131*) in the MSH3 gene. It is expected to result in an absent or disrupted protein product. Loss-of-function variants in MSH3 are known to be pathogenic (PMID: 27476653, 37402566). This variant is not present in population databases (gnomAD no frequency). This variant has not been reported in the literature in individuals affected with MSH3-related conditions. ClinVar contains an entry for this variant (Variation ID: 1386968). For these reasons, this variant has been classified as Pathogenic.

Myriad Genetics, Inc.
Classification: Pathogenic for Familial adenomatous polyposis 4. Last evaluated: 2023-08-29. Review status: criteria provided, single submitter. Criteria: Myriad Autosomal Dominant, Autosomal Recessive and X-Linked Classification Criteria (2023). Collection method: clinical testing. Allele origin: unknown.
Comment: This variant is considered pathogenic. This variant creates a termination codon and is predicted to result in premature protein truncation.

Baylor Genetics
Classification: Likely pathogenic for Endometrial carcinoma. Last evaluated: 2021-11-22. Review status: criteria provided, single submitter. Criteria: ACMG Guidelines, 2015. Collection method: clinical testing. Allele origin: unknown.

Literature cited by the submitters: PubMed 27476653 (cited by Labcorp Genetics (formerly Invitae), Labcorp); PubMed 37402566 (cited by Labcorp Genetics (formerly Invitae), Labcorp).